The following is an entry in ClinVar:

ClinVar aggregate classification (germline): Uncertain significance (1 of 4 stars; one submission).

Submission:

Labcorp Genetics (formerly Invitae), Labcorp
Classification: Uncertain significance. Last evaluated: 2025-04-20. Review status: criteria provided, single submitter. Criteria: Invitae Variant Classification Sherloc (09022015). Collection method: clinical testing. Allele origin: germline.
Comment: This sequence change replaces threonine, which is neutral and polar, with isoleucine, which is neutral and non-polar, at codon 831 of the ALPK3 protein (p.Thr831Ile). This variant is present in population databases (rs769150318, gnomAD 0.01%). This variant has not been reported in the literature in individuals affected with ALPK3-related conditions. Invitae Evidence Modeling of protein sequence and biophysical properties (such as structural, functional, and spatial information, amino acid conservation, physicochemical variation, residue mobility, and thermodynamic stability) indicates that this missense variant is not expected to disrupt ALPK3 protein function with a negative predictive value of 80%. In summary, the available evidence is currently insufficient to determine the role of this variant in disease. Therefore, it has been classified as a Variant of Uncertain Significance.

NM_020778.5(ALPK3):c.1886C>T (p.Thr629Ile)

Gene: ALPK3 (alpha kinase 3; plus strand). Cytogenetic location: 15q25.3.
Variant type: single nucleotide variant.
Coding change: c.1886C>T on transcript NM_020778.5 (MANE Select); coding-DNA position 1886, C replaced by T.
Protein change: p.Thr629Ile; replaces threonine 629 with isoleucine.
Molecular consequence: missense variant.
Genome position (GRCh38, 1-based): chr15:84,856,624, C>T. VCF-style: chr15-84856624-C-T. GRCh37 (hg19) VCF-style: chr15-85399855-C-T.
Other names: short protein forms T629I.
Identifiers: ClinVar variation 4700813 (VCV004700813.1).